The following is an entry in ClinVar:

NM_138694.4(PKHD1):c.1463G>C (p.Arg488Pro)

Gene: PKHD1 (PKHD1 ciliary IPT domain containing fibrocystin/polyductin; minus strand). Cytogenetic location: 6p12.2.
Variant type: single nucleotide variant.
Coding change: c.1463G>C on transcript NM_138694.4 (MANE Select); coding-DNA position 1463, G replaced by C.
Protein change: p.Arg488Pro; replaces arginine 488 with proline.
Molecular consequence: missense variant.
Genome position (GRCh38, 1-based): chr6:52,058,372, C>G on the plus strand (G>C on the coding strand, the complement: PKHD1 is on the minus strand). VCF-style: chr6-52058372-C-G. GRCh37 (hg19) VCF-style: chr6-51923170-C-G.
Other names: c.1463G>C, p.Arg488Pro (NM_170724.3); short protein forms R488P.
Identifiers: ClinVar variation 636669 (VCV000636669.3), dbSNP rs186202437, ClinGen allele CA364426145.
Genomic context (GRCh38, chr6:52,058,372, plus strand): 5'-GAGACACAGACCTGTACTTCTGGAAGCCTCTGGGCTCGGACTCGGATCTGGTGCTTCTCC[C>G]GTAGGTAAGTGGTGACCACATCAGGATTCAGCCAGGTGTTGTGAATCTGGACACCAATCC-3'
Protein context (NP_619639.3, residues 478-498): LNPDVVTTYL[Arg488Pro]EKHQIRVRAQ

ClinVar aggregate classification (germline): Uncertain significance. Review status: criteria provided, multiple submitters, no conflicts (2 of 4 stars). 2 submissions from 2 submitters: Uncertain significance (2). Last evaluated 2018-08-09.

Conditions:
Autosomal recessive polycystic kidney disease (ARPKD). Also called: AR polycystic kidney disease. Identifiers: Orphanet 731, Orphanet 8378, MedGen C0085548, MeSH D017044, MONDO:0009889.

Submissions (2):

Labcorp Genetics (formerly Invitae), Labcorp
Classification: Uncertain significance for Autosomal recessive polycystic kidney disease. Last evaluated: 2018-08-09. Review status: criteria provided, single submitter. Criteria: Invitae Variant Classification Sherloc (09022015). Collection method: clinical testing. Allele origin: germline.
Comment: This sequence change replaces arginine with proline at codon 488 of the PKHD1 protein (p.Arg488Pro). The arginine residue is moderately conserved and there is a moderate physicochemical difference between arginine and proline. This variant is not present in population databases (ExAC no frequency). This variant has not been reported in the literature in individuals with PKHD1-related disease. Algorithms developed to predict the effect of missense changes on protein structure and function are either unavailable or do not agree on the potential impact of this missense change (SIFT: "Tolerated"; PolyPhen-2: "Possibly Damaging"; Align-GVGD: "Class C0"). In summary, the available evidence is currently insufficient to determine the role of this variant in disease. Therefore, it has been classified as a Variant of Uncertain Significance.

Blueprint Genetics
Classification: Uncertain significance. Last evaluated: 2018-06-05. Review status: criteria provided, single submitter. Criteria: ACMG Guidelines, 2015. Collection method: clinical testing. Allele origin: germline.